The following is an entry in ClinVar:

ClinVar aggregate classification (germline): Pathogenic (1 of 4 stars; one submission).

Conditions:
Primary ciliary dyskinesia. Also called: Ciliary dyskinesia. Identifiers: Orphanet 244, MedGen C0008780, MONDO:0016575, HP:0012265.

Submission:

Labcorp Genetics (formerly Invitae), Labcorp
Classification: Pathogenic for Primary ciliary dyskinesia. Last evaluated: 2022-07-05. Review status: criteria provided, single submitter. Criteria: Invitae Variant Classification Sherloc (09022015). Collection method: clinical testing. Allele origin: germline.
Comment: This variant is not present in population databases (gnomAD no frequency). This variant has not been reported in the literature in individuals affected with DNAH5-related conditions. ClinVar contains an entry for this variant (Variation ID: 1075414). For these reasons, this variant has been classified as Pathogenic. This sequence change creates a premature translational stop signal (p.Ala1845Serfs*3) in the DNAH5 gene. It is expected to result in an absent or disrupted protein product. Loss-of-function variants in DNAH5 are known to be pathogenic (PMID: 11788826, 16627867).

Literature cited by the submitters: PubMed 11788826; PubMed 16627867.

NM_001369.3(DNAH5):c.5532dup (p.Ala1845fs)

Gene: DNAH5 (dynein axonemal heavy chain 5; minus strand). Cytogenetic location: 5p15.2.
Variant type: Duplication.
Coding change: c.5532dup on transcript NM_001369.3 (MANE Select); coding-DNA position 5532, one base duplicated (A; older notation c.5532dupA).
Protein change: p.Ala1845fs; shifts the reading frame from alanine 1845.
Molecular consequence: frameshift variant.
Genome position (GRCh38, 1-based): chr5:13,841,083, T duplicated on the plus strand (A on the coding strand, the reverse complement: DNAH5 is on the minus strand); the first of 2 consecutive T bases (chr5:13,841,083-13,841,084); duplicating either gives the same sequence. VCF-style (leftmost placement, unchanged base first): chr5-13841082-C-CT. GRCh37 (hg19) VCF-style: chr5-13841191-C-CT.
Other names: short protein forms A1845fs.
Identifiers: ClinVar variation 1075414 (VCV001075414.7), dbSNP rs2151860521, ClinGen allele CA2499217633.